The following is an entry in ClinVar:

NM_001267550.2(TTN):c.35917C>A (p.Pro11973Thr)

Gene: TTN (titin; minus strand). Cytogenetic location: 2q31.2.
Variant type: single nucleotide variant.
Coding change: c.35917C>A on transcript NM_001267550.2 (MANE Select); coding-DNA position 35917, C replaced by A.
Protein change: p.Pro11973Thr; replaces proline 11973 with threonine.
Molecular consequence: missense variant. On other transcripts: intron variant (5).
Genome position (GRCh38, 1-based): chr2:178,665,750, G>T on the plus strand (C>A on the coding strand, the complement: TTN is on the minus strand). VCF-style: chr2-178665750-G-T. GRCh37 (hg19) VCF-style: chr2-179530477-G-T.
Other names: c.13283-23433C>A (NM_003319.4); c.13859-23433C>A (NM_133437.4); c.13658-23433C>A (NM_133432.3); c.31484-2695C>A (NM_133378.4); c.34265-2695C>A (NM_001256850.1); short protein forms P11973T.
Identifiers: ClinVar variation 3894798 (VCV003894798.1).

ClinVar aggregate classification (germline): Likely benign (1 of 4 stars; one submission).

gnomAD v4.1: 1 of 1,320,540 alleles (0.000076%); highest among the groups gnomAD compares: Non-Finnish European, 0.000096%; no homozygotes.

Submission:

Molecular Diagnostic Laboratory for Inherited Cardiovascular Disease, Montreal Heart Institute
Classification: Likely benign. Last evaluated: 2025-04-09. Review status: criteria provided, single submitter. Criteria: ACMG Guidelines, 2015. Collection method: clinical testing. Allele origin: germline. Affected: no.
Comment: BP1